The following is an entry in ClinVar:

ClinVar aggregate classification (germline): Uncertain significance (1 of 4 stars; one submission).

Conditions:
Autosomal recessive limb-girdle muscular dystrophy type 2Y (MRRSDC). Also called: Muscular dystrophy, limb-girdle, type 2y; Muscular dystrophy, autosomal recessive, with rigid spine and distal joint contractures. Identifiers: Orphanet 424261, MedGen C4511482, MONDO:0014900, OMIM 617072.

Allele frequency attached by ClinVar (database versions not stated): ExAC 0.00001; gnomAD exomes 0.00001; gnomAD 0.00002 and 0.00003; TOPMed 0.00002; 1000 Genomes Project 30x 0.00016; 1000 Genomes Project 0.00020.

Submission:

Labcorp Genetics (formerly Invitae), Labcorp
Classification: Uncertain significance for Autosomal recessive limb-girdle muscular dystrophy type 2Y. Last evaluated: 2019-09-29. Review status: criteria provided, single submitter. Criteria: Invitae Variant Classification Sherloc (09022015). Collection method: clinical testing. Allele origin: germline.
Comment: Algorithms developed to predict the effect of missense changes on protein structure and function (SIFT, PolyPhen-2, Align-GVGD) all suggest that this variant is likely to be disruptive, but these predictions have not been confirmed by published functional studies and their clinical significance is uncertain. In summary, the available evidence is currently insufficient to determine the role of this variant in disease. Therefore, it has been classified as a Variant of Uncertain Significance. This variant has not been reported in the literature in individuals with TOR1AIP1-related conditions. This variant is present in population databases (rs201975339, ExAC 0.01%). This sequence change replaces tyrosine with cysteine at codon 434 of the TOR1AIP1 protein (p.Tyr434Cys). The tyrosine residue is moderately conserved and there is a large physicochemical difference between tyrosine and cysteine.

NM_015602.4(TOR1AIP1):c.1298A>G (p.Tyr433Cys)

Gene: TOR1AIP1 (torsin 1A interacting protein 1; plus strand). Cytogenetic location: 1q25.2.
Variant type: single nucleotide variant.
Coding change: c.1298A>G on transcript NM_015602.4 (MANE Select); coding-DNA position 1298, A replaced by G.
Protein change: p.Tyr433Cys; replaces tyrosine 433 with cysteine.
Molecular consequence: missense variant.
Genome position (GRCh38, 1-based): chr1:179,917,785, A>G. VCF-style: chr1-179917785-A-G. GRCh37 (hg19) VCF-style: chr1-179886920-A-G.
Other names: c.1301A>G, p.Tyr434Cys (NM_001267578.2); short protein forms Y433C, Y434C.
Identifiers: ClinVar variation 966475 (VCV000966475.10), dbSNP rs201975339, ClinGen allele CA1269122.